The following is an entry in ClinVar:

NM_177438.3(DICER1):c.5261A>G (p.Tyr1754Cys)

Gene: DICER1 (dicer 1, ribonuclease III; minus strand). Cytogenetic location: 14q32.13.
Variant type: single nucleotide variant.
Coding change: c.5261A>G on transcript NM_177438.3 (MANE Select); coding-DNA position 5261, A replaced by G.
Protein change: p.Tyr1754Cys; replaces tyrosine 1754 with cysteine.
Molecular consequence: missense variant. On other transcripts: non-coding transcript variant (6).
Genome position (GRCh38, 1-based): chr14:95,093,991, T>C on the plus strand (A>G on the coding strand, the complement: DICER1 is on the minus strand). VCF-style: chr14-95093991-T-C. GRCh37 (hg19) VCF-style: chr14-95560328-T-C.
Other names: c.4694A>G, p.Tyr1565Cys (NM_001395691.1); c.3578A>G, p.Tyr1193Cys (NM_001395697.1); c.5261A>G, p.Tyr1754Cys (NM_030621.4, NM_001195573.1, NM_001271282.3 and 8 more transcripts); c.4979A>G, p.Tyr1660Cys (NM_001395686.1); c.4856A>G, p.Tyr1619Cys (NM_001395687.1, NM_001395688.1, NM_001395689.1 and 1 more transcripts); short protein forms Y1565C, Y1619C, Y1193C, Y1754C, Y1660C.
Identifiers: ClinVar variation 5035229 (VCV005035229.1).

ClinVar aggregate classification (germline): Uncertain significance (1 of 4 stars; one submission).

Conditions:
Hereditary cancer-predisposing syndrome. Also called: Hereditary Cancer Syndrome; Neoplastic Syndromes, Hereditary; Tumor predisposition; Hereditary neoplastic syndrome. Identifiers: Orphanet 140162, MedGen C0027672, MeSH D009386, MONDO:0015356.

gnomAD v4.1: 1 of 1,614,086 alleles (0.000062%); highest among the groups gnomAD compares: African/African-American, 0.0013%; no homozygotes.

Submission:

Ambry Genetics
Classification: Uncertain significance for Hereditary cancer-predisposing syndrome. Last evaluated: 2026-06-15. Review status: criteria provided, single submitter. Criteria: Ambry Variant Classification Scheme 2023. Collection method: clinical testing. Allele origin: germline.
Comment: The p.Y1754C variant (also known as c.5261A>G), located in coding exon 23 of the DICER1 gene, results from an A to G substitution at nucleotide position 5261. The tyrosine at codon 1754 is replaced by cysteine, an amino acid with highly dissimilar properties. This amino acid position is conserved. In addition, this alteration is predicted to be deleterious by in silico analysis. Based on the available evidence, the clinical significance of this variant remains unclear.